The following is an entry in ClinVar:

ClinVar aggregate classification (germline): Likely benign (1 of 4 stars; one submission).

Allele frequency attached by ClinVar (database versions not stated): gnomAD 0.00003; gnomAD exomes below 0.00001; TOPMed 0.00002 and 0.00003.
gnomAD v4.1: 10 of 1,608,152 alleles (0.00062%); highest among the groups gnomAD compares: African/African-American, 0.008%; no homozygotes.

Submission:

GeneDx
Classification: Likely benign. Last evaluated: 2016-03-05. Review status: criteria provided, single submitter. Criteria: GeneDx Variant Classification (06012015). Collection method: clinical testing. Allele origin: germline. Affected: yes.
Comment: This variant is considered likely benign or benign based on one or more of the following criteria: it is a conservative change, it occurs at a poorly conserved position in the protein, it is predicted to be benign by multiple in silico algorithms, and/or has population frequency not consistent with disease.

NM_033343.4(LHX4):c.1110C>G (p.Gly370=)

Genes: ACBD6 (acyl-CoA binding domain containing 6; minus strand), LHX4 (LIM homeobox 4; plus strand), LHX4-AS1 (LHX4 antisense RNA 1; minus strand). Cytogenetic location: 1q25.2.
Variant type: single nucleotide variant.
Coding change: c.1110C>G on transcript NM_033343.4 (MANE Select); coding-DNA position 1110, C replaced by G.
Protein change: p.Gly370=; no amino-acid change (glycine 370 retained).
Molecular consequence: synonymous variant.
Genome position (GRCh38, 1-based): chr1:180,274,516, C>G. VCF-style: chr1-180274516-C-G. GRCh37 (hg19) VCF-style: chr1-180243651-C-G.
Identifiers: ClinVar variation 384092 (VCV000384092.1), dbSNP rs896529253, ClinGen allele CA16603484.